The following is an entry in ClinVar:

ClinVar aggregate classification (germline): Uncertain significance (1 of 4 stars; one submission).

Submission:

Ambry Genetics
Classification: Uncertain significance. Last evaluated: 2026-06-08. Review status: criteria provided, single submitter. Criteria: Ambry Variant Classification Scheme 2023. Collection method: clinical testing. Allele origin: germline.
Comment: The p.G601V variant (also known as c.1802G>T), located in coding exon 18 of the SRP72 gene, results from a G to T substitution at nucleotide position 1802. The glycine at codon 601 is replaced by valine, an amino acid with dissimilar properties. This amino acid position is conserved. In addition, this alteration is predicted to be deleterious by in silico analysis. Based on the available evidence, the clinical significance of this variant remains unclear.

NM_006947.4(SRP72):c.1802G>T (p.Gly601Val)

Gene: SRP72 (signal recognition particle 72; plus strand). Cytogenetic location: 4q12.
Variant type: single nucleotide variant.
Coding change: c.1802G>T on transcript NM_006947.4 (MANE Select); coding-DNA position 1802, G replaced by T.
Protein change: p.Gly601Val; replaces glycine 601 with valine.
Molecular consequence: missense variant. On other transcripts: non-coding transcript variant (1).
Genome position (GRCh38, 1-based): chr4:56,500,659, G>T. VCF-style: chr4-56500659-G-T. GRCh37 (hg19) VCF-style: chr4-57366825-G-T.
Other names: c.1619G>T, p.Gly540Val (NM_001267722.2); short protein forms G540V, G601V.
Identifiers: ClinVar variation 4865157 (VCV004865157.1).